The following is an entry in ClinVar:

ClinVar aggregate classification (germline): Likely pathogenic (1 of 4 stars; one submission).

Conditions:
Waardenburg syndrome type 2A (WS2A). Also called: WAARDENBURG SYNDROME WITHOUT DYSTOPIA CANTHORUM. Identifiers: Orphanet 3440, MedGen C1860339, MONDO:0008671, OMIM 193510.

Submission:

Institute of Rare Diseases, West China Hospital, Sichuan University
Classification: Likely pathogenic for Waardenburg syndrome type 2A. Last evaluated: 2025-01-09. Review status: criteria provided, single submitter. Criteria: ClinGen HL ACMG Specifications v1. Collection method: research. Allele origin: germline. Affected: yes.
Comment: PVS1;PM2_Supporting

NM_001354604.2(MITF):c.880+2T>C

Gene: MITF (melanocyte inducing transcription factor; plus strand). Cytogenetic location: 3p13.
Variant type: single nucleotide variant.
Coding change: c.880+2T>C on transcript NM_001354604.2 (MANE Select); the canonical splice donor site of the intron after coding-DNA position 880, T replaced by C.
Molecular consequence: splice donor variant.
Genome position (GRCh38, 1-based): chr3:69,949,170, T>C. VCF-style: chr3-69949170-T-C. GRCh37 (hg19) VCF-style: chr3-69998321-T-C.
Other names: c.829+2T>C (NM_001354607.2); c.724+2T>C (NM_001354608.2, NM_001184967.2); c.880+2T>C (NM_198159.3); c.877+2T>C (NM_001354605.2, NM_001354606.2, NM_006722.3); c.832+2T>C (NM_198177.3); c.559+2T>C (NM_000248.4, NM_198158.3); c.391+2T>C (NM_198178.3).
Identifiers: ClinVar variation 3601256 (VCV003601256.1).
Genomic context (GRCh38, chr3:69,949,170, plus strand): 5'-CCTCACCATCAGCAACTCCTGTCCAGCCAACCTTCCCAACATAAAAAGGGAGCTCACAGG[T>C]AAACACCTAGTAAATGTGCCTCTTACTGCAGATTTCTGTCCATTTCCTGATAAGACAAAG-3'